The following is an entry in ClinVar:

ClinVar aggregate classification (germline): Uncertain significance (1 of 4 stars; one submission).

gnomAD v4.1: 4 of 1,611,874 alleles (0.00025%); highest among the groups gnomAD compares: Admixed American, 0.0017%; no homozygotes.

Submission:

Ambry Genetics
Classification: Uncertain significance. Last evaluated: 2025-03-07. Review status: criteria provided, single submitter. Criteria: Ambry Variant Classification Scheme 2023. Collection method: clinical testing. Allele origin: germline.
Comment: The p.V1083M variant (also known as c.3247G>A), located in coding exon 12 of the WNK2 gene, results from a G to A substitution at nucleotide position 3247. The valine at codon 1083 is replaced by methionine, an amino acid with highly similar properties. This amino acid position is conserved. In addition, this alteration is predicted to be tolerated by in silico analysis. Based on the available evidence, the clinical significance of this variant remains unclear.

NM_006648.4(WNK2):c.3247G>A (p.Val1083Met)

Gene: WNK2 (WNK lysine deficient protein kinase 2; plus strand). Cytogenetic location: 9q22.31.
Variant type: single nucleotide variant.
Coding change: c.3247G>A on transcript NM_006648.4 (MANE Select); coding-DNA position 3247, G replaced by A.
Protein change: p.Val1083Met; replaces valine 1083 with methionine.
Molecular consequence: missense variant.
Genome position (GRCh38, 1-based): chr9:93,261,994, G>A. VCF-style: chr9-93261994-G-A. GRCh37 (hg19) VCF-style: chr9-96024276-G-A.
Other names: c.3247G>A, p.Val1083Met (NM_001282394.3); short protein forms V1083M.
Identifiers: ClinVar variation 3817228 (VCV003817228.1).